The following is an entry in ClinVar:

ClinVar aggregate classification (germline): Uncertain significance. Review status: criteria provided, multiple submitters, no conflicts (2 of 4 stars). 2 submissions from 2 submitters: Uncertain significance (2). Last evaluated 2023-06-01.

Conditions:
Inborn genetic diseases. Identifiers: MedGen C0950123, MeSH D030342.

Allele frequency attached by ClinVar (database versions not stated): gnomAD 0.00001; ExAC 0.00002; gnomAD exomes 0.00002.
gnomAD v4.1: 33 of 1,613,912 alleles (0.002%); highest among the groups gnomAD compares: East Asian, 0.0022%; no homozygotes.

Submissions (2):

Ambry Genetics
Classification: Uncertain significance for Inborn genetic diseases. Last evaluated: 2023-06-01. Review status: criteria provided, single submitter. Criteria: Ambry Variant Classification Scheme 2023. Collection method: clinical testing. Allele origin: germline.

Labcorp Genetics (formerly Invitae), Labcorp
Classification: Uncertain significance. Last evaluated: 2022-07-15. Review status: criteria provided, single submitter. Criteria: Invitae Variant Classification Sherloc (09022015). Collection method: clinical testing. Allele origin: germline.
Comment: This sequence change replaces arginine, which is basic and polar, with glutamine, which is neutral and polar, at codon 85 of the SNAP29 protein (p.Arg85Gln). This variant is present in population databases (rs758462250, gnomAD 0.005%). This variant has not been reported in the literature in individuals affected with SNAP29-related conditions. Algorithms developed to predict the effect of missense changes on protein structure and function (SIFT, PolyPhen-2, Align-GVGD) all suggest that this variant is likely to be tolerated. In summary, the available evidence is currently insufficient to determine the role of this variant in disease. Therefore, it has been classified as a Variant of Uncertain Significance.

NM_004782.4(SNAP29):c.254G>A (p.Arg85Gln)

Gene: SNAP29 (synaptosome associated protein 29; plus strand). Cytogenetic location: 22q11.21.
Variant type: single nucleotide variant.
Coding change: c.254G>A on transcript NM_004782.4 (MANE Select); coding-DNA position 254, G replaced by A.
Protein change: p.Arg85Gln; replaces arginine 85 with glutamine.
Molecular consequence: missense variant.
Genome position (GRCh38, 1-based): chr22:20,870,353, G>A. VCF-style: chr22-20870353-G-A. GRCh37 (hg19) VCF-style: chr22-21224641-G-A.
Other names: c.254G>A (NM_004782.3); short protein forms R85Q.
Identifiers: ClinVar variation 2172458 (VCV002172458.3), dbSNP rs758462250, ClinGen allele CA10117090.